The following is an entry in ClinVar:

NM_000317.3(PTS):c.83G>A (p.Ser28Asn)

Genes: PTS (6-pyruvoyltetrahydropterin synthase; plus strand), LOC130006765 (ATAC-STARR-seq lymphoblastoid silent region 3906; plus strand). Cytogenetic location: 11q23.1.
Variant type: single nucleotide variant.
Coding change: c.83G>A on transcript NM_000317.3 (MANE Select); coding-DNA position 83, G replaced by A.
Protein change: p.Ser28Asn; replaces serine 28 with asparagine.
Molecular consequence: missense variant.
Genome position (GRCh38, 1-based): chr11:112,226,526, G>A. VCF-style: chr11-112226526-G-A. GRCh37 (hg19) VCF-style: chr11-112097249-G-A.
Other names: short protein forms S28N.
Identifiers: ClinVar variation 3895708 (VCV003895708.1).

ClinVar aggregate classification (germline): Uncertain significance (1 of 4 stars; one submission).

Submission:

Women's Health and Genetics/Laboratory Corporation of America, LabCorp
Classification: Uncertain significance. Last evaluated: 2025-03-12. Review status: criteria provided, single submitter. Criteria: LabCorp Variant Classification Summary - May 2015. Collection method: clinical testing. Allele origin: germline.
Comment: Variant summary: PTS c.83G>A (p.Ser28Asn) results in a conservative amino acid change in the encoded protein sequence. Three of five in-silico tools predict a benign effect of the variant on protein function. The variant was absent in 193654 control chromosomes. The available data on variant occurrences in the general population are insufficient to allow any conclusion about variant significance. c.83G>A has been reported in the literature in at least one compound heterozygous individual affected with 6-Pyruvoyl-Tetrahydropterin Synthase Deficiency (e.g., Li_2018). These data do not allow any conclusion about variant significance. To our knowledge, no experimental evidence demonstrating an impact on protein function has been reported. The following publication has been ascertained in the context of this evaluation (PMID: 30001213). No submitters have cited clinical-significance assessments for this variant to ClinVar. Based on the evidence outlined above, the variant was classified as uncertain significance.

Literature cited by the submitters: PubMed 30001213.